The following is an entry in ClinVar:

ClinVar aggregate classification (germline): Likely pathogenic (1 of 4 stars; one submission).

Conditions:
Gaucher disease. Also called: Acute cerebral Gaucher disease; Cerebroside lipidosis syndrome; Gaucher splenomegaly; Sphingolipidosis 1; Glucocerebrosidosis; Glucosylceramidase deficiency. Identifiers: Orphanet 355, MedGen C0017205, MONDO:0018150.

Allele frequency attached by ClinVar (database versions not stated): ExAC 0.00001; gnomAD exomes 0.00001; gnomAD 0.00003; TOPMed 0.00003; ESP Exome Variant Server 0.00008.
gnomAD v4.1: 7 of 1,613,376 alleles (0.00043%); highest among the groups gnomAD compares: African/African-American, 0.0094%; no homozygotes.

Submission:

Women's Health and Genetics/Laboratory Corporation of America, LabCorp
Classification: Likely pathogenic for Gaucher disease. Last evaluated: 2023-04-27. Review status: criteria provided, single submitter. Criteria: LabCorp Variant Classification Summary - May 2015. Collection method: clinical testing. Allele origin: germline.
Comment: Variant summary: GBA c.497A>T (p.Asp166Val) results in a non-conservative amino acid change located in the Glycosyl hydrolase family 30, TIM-barrel domain of the encoded protein sequence. Five of five in-silico tools predict a damaging effect of the variant on protein function. The variant allele was found at a frequency of 8e-06 in 251180 control chromosomes (gnomAD). c.497A>T has been reported in the literature in at least one individual affected with Gaucher Disease and was described as a mild severity allele (Beutler_2005). At least one publication reports experimental evidence showing an impact on protein function, where the variant causes the specific activity, induced activation, and conformation of the enzyme to be significantly reduced/altered compared to controls (Liou_2006). Based on a structural model, Atrial et al predict that Asp 127 contacts the hydroxyl group of the glucosylceramide, stabilizing the location of the substrate for catalysis and therefore this mutation to Valine probably alters the proper geometry of the active locus and modifies enzyme activity (Atrian_2008). No other ClinVar submitters have submitted clinical-significance assessments for this variant to ClinVar after 2014. Based on the evidence outlined above, the variant was classified as likely pathogenic.

Literature cited by the submitters: PubMed 16293621; PubMed 16185900; PubMed 17803231; PubMed 24904648.

NM_000157.4(GBA1):c.497A>T (p.Asp166Val)

Genes: GBA1 (glucosylceramidase beta 1; minus strand), LOC106627981 (GBA recombination region; plus strand). Cytogenetic location: 1q22.
Variant type: single nucleotide variant.
Coding change: c.497A>T on transcript NM_000157.4 (MANE Select); coding-DNA position 497, A replaced by T.
Protein change: p.Asp166Val; replaces aspartic acid 166 with valine.
Molecular consequence: missense variant.
Genome position (GRCh38, 1-based): chr1:155,238,608, T>A on the plus strand (A>T on the coding strand, the complement: GBA1 is on the minus strand). VCF-style: chr1-155238608-T-A. GRCh37 (hg19) VCF-style: chr1-155208399-T-A.
Other names: c.497A>T, p.Asp166Val (NM_001005741.3, NM_001005742.3); c.236A>T, p.Asp79Val (NM_001171811.2); c.350A>T, p.Asp117Val (NM_001171812.2); short protein forms D166V, D117V, D79V.
Identifiers: ClinVar variation 632833 (VCV000632833.4), dbSNP rs79796061, ClinGen allele CA1141730.
Genomic context (GRCh38, chr1:155,238,608, plus strand): 5'-AAGTTGTGCAACTGGAAATCATCAGGGGTGTCTGCATAGGTGTAGGTGCGGATGGAGAAG[T>A]CACAGCTGGCCATGGGTACCCGGATGATGTTATATCCGATTCCTACAGAAAAGGATGATC-3'
Protein context (NP_000148.2, residues 156-176): NIIRVPMASC[Asp166Val]FSIRTYTYAD